The following is an entry in ClinVar:

NM_001013838.3(CARMIL2):c.1384_1385del (p.Arg462fs)

Gene: CARMIL2 (capping protein regulator and myosin 1 linker 2; plus strand). Cytogenetic location: 16q22.1.
Variant type: Microsatellite.
Coding change: c.1384_1385del on transcript NM_001013838.3 (MANE Select); coding-DNA positions 1384 to 1385, 2 bases deleted (CG; older notation c.1384_1385delCG).
Protein change: p.Arg462fs; shifts the reading frame from arginine 462.
Molecular consequence: frameshift variant.
Genome position (GRCh38, 1-based): chr16:67,648,447-67,648,448, CG deleted; deleting any 2 consecutive bases within chr16:67,648,441-67,648,448 gives the same sequence; the c. name uses the placement nearest the transcript's 3' end. VCF-style (leftmost placement, unchanged base first): chr16-67648440-CCG-C. GRCh37 (hg19) VCF-style: chr16-67682343-CCG-C.
Other names: c.1276_1277del, p.Arg426fs (NM_001317026.3); short protein forms R462fs, R426fs.
Identifiers: ClinVar variation 2007713 (VCV002007713.4), dbSNP rs2543547275, ClinGen allele CA2580613887.
Genomic context (GRCh38, chr16:67,648,440, plus strand): 5'-CCTTCCCACTTCCCCCAGGAAGTCCCGCGCCGCGCCGGCCGCGCTGCAGCTCTTCCTCAG[CCG>C]CGCGCGGACGCTGCGGCACCTGGGCCTGGCGGGCTGCAAGCTGCCGCCCGACGCGCTCAG-3'

ClinVar aggregate classification (germline): Pathogenic (1 of 4 stars; one submission).

Submission:

Labcorp Genetics (formerly Invitae), Labcorp
Classification: Pathogenic. Last evaluated: 2022-06-17. Review status: criteria provided, single submitter. Criteria: Invitae Variant Classification Sherloc (09022015). Collection method: clinical testing. Allele origin: germline.
Comment: For these reasons, this variant has been classified as Pathogenic. This variant has not been reported in the literature in individuals affected with CARMIL2-related conditions. This variant is not present in population databases (gnomAD no frequency). This sequence change creates a premature translational stop signal (p.Arg462Aspfs*68) in the CARMIL2 gene. It is expected to result in an absent or disrupted protein product. Loss-of-function variants in CARMIL2 are known to be pathogenic (PMID: 27647349, 28112205).

Literature cited by the submitters: PubMed 27647349; PubMed 28112205.